The following is an entry in ClinVar:

NM_001035.3(RYR2):c.3230T>C (p.Val1077Ala)

Gene: RYR2 (ryanodine receptor 2; plus strand). Cytogenetic location: 1q43.
Variant type: single nucleotide variant.
Coding change: c.3230T>C on transcript NM_001035.3 (MANE Select); coding-DNA position 3230, T replaced by C.
Protein change: p.Val1077Ala; replaces valine 1077 with alanine.
Molecular consequence: missense variant.
Genome position (GRCh38, 1-based): chr1:237,566,582, T>C. VCF-style: chr1-237566582-T-C. GRCh37 (hg19) VCF-style: chr1-237729882-T-C.
Other names: short protein forms V1077A.
Identifiers: ClinVar variation 43767 (VCV000043767.23), dbSNP rs202176504, ClinGen allele CA009141.

ClinVar aggregate classification (germline): Conflicting classifications of pathogenicity. Review status: criteria provided, conflicting classifications (1 of 4 stars). 7 submissions from 7 submitters: Uncertain significance (1); Likely benign (6). Last evaluated 2026-02-03.

Conditions:
Cardiovascular phenotype. Identifiers: MedGen CN230736.
Cardiomyopathy (CMYO). Also called: Cardiomyopathies. Identifiers: Orphanet 167848, MedGen C0878544, MONDO:0004994, HP:0001638. Inheritance: Various modes of inheritance.
Catecholaminergic polymorphic ventricular tachycardia 1. Also called: VENTRICULAR TACHYCARDIA, CATECHOLAMINERGIC POLYMORPHIC, 1, WITH OR WITHOUT ATRIAL DYSFUNCTION AND/OR DILATED CARDIOMYOPATHY; VENTRICULAR TACHYCARDIA, STRESS-INDUCED POLYMORPHIC 1; RYR2-Related Catecholaminergic Polymorphic Ventricular Tachycardia. Identifiers: Orphanet 3286, MedGen C1631597, MONDO:0011484, OMIM 604772.

Allele frequency attached by ClinVar (database versions not stated): gnomAD exomes 0.00020; ExAC 0.00021; ESP Exome Variant Server 0.00050; gnomAD 0.00057; TOPMed 0.00057; 1000 Genomes Project 0.00100; 1000 Genomes Project 30x 0.00109.
gnomAD v4.1: 187 of 1,613,814 alleles (0.012%); highest among the groups gnomAD compares: African/African-American, 0.17%; no homozygotes.

Submissions (7):

Labcorp Genetics (formerly Invitae), Labcorp
Classification: Likely benign for Catecholaminergic polymorphic ventricular tachycardia 1. Last evaluated: 2026-02-03. Review status: criteria provided, single submitter. Criteria: Invitae Variant Classification Sherloc (09022015). Collection method: clinical testing. Allele origin: germline.

Blueprint Genetics
Classification: Likely benign. Last evaluated: 2023-07-12. Review status: criteria provided, single submitter. Criteria: ACMG Guidelines, 2015. Collection method: clinical testing. Allele origin: germline.

Women's Health and Genetics/Laboratory Corporation of America, LabCorp
Classification: Likely benign. Last evaluated: 2021-08-22. Review status: criteria provided, single submitter. Criteria: LabCorp Variant Classification Summary - May 2015. Collection method: clinical testing. Allele origin: germline.
Comment: Variant summary: RYR2 c.3230T>C (p.Val1077Ala) results in a non-conservative amino acid change located in the Ryanodine receptor, SPRY domain 2 of the encoded protein sequence. Four of five in-silico tools predict a benign effect of the variant on protein function. The variant allele was found at a frequency of 0.0002 in 248740 control chromosomes. The observed variant frequency is approximately 3 fold of the estimated maximal expected allele frequency for a pathogenic variant in RYR2 causing Arrhythmia phenotype (6e-05), strongly suggesting that the variant is benign. c.3230T>C has been reported in the literature as a VUS in one individual in a cohort of clinical whole exome genetic test referrals (Landstrom_2017). This report does not provide unequivocal conclusions about association of the variant with Arrhythmia. To our knowledge, no experimental evidence demonstrating an impact on protein function has been reported. Four clinical diagnostic laboratories have submitted clinical-significance assessments for this variant to ClinVar after 2014 without evidence for independent evaluation (likely benign, n=3; VUS, n=1). Based on the evidence outlined above, the variant was classified as likely benign.

Ambry Genetics
Classification: Likely benign for Cardiovascular phenotype. Last evaluated: 2019-04-05. Review status: criteria provided, single submitter. Criteria: Ambry Variant Classification Scheme 2023. Collection method: clinical testing. Allele origin: germline.

Color Diagnostics, LLC DBA Color Health
Classification: Likely benign for Cardiomyopathy. Last evaluated: 2018-11-26. Review status: criteria provided, single submitter. Criteria: ACMG Guidelines, 2015. Collection method: clinical testing. Allele origin: germline.

GeneDx
Classification: Likely benign. Last evaluated: 2018-03-06. Review status: criteria provided, single submitter. Criteria: GeneDx Variant Classification (06012015). Collection method: clinical testing. Allele origin: germline. Affected: yes.
Comment: This variant is considered likely benign or benign based on one or more of the following criteria: it is a conservative change, it occurs at a poorly conserved position in the protein, it is predicted to be benign by multiple in silico algorithms, and/or has population frequency not consistent with disease.

Laboratory for Molecular Medicine, Mass General Brigham Personalized Medicine
Classification: Uncertain significance. Last evaluated: 2016-06-10. Review status: criteria provided, single submitter. Criteria: LMM Criteria. Collection method: clinical testing. Allele origin: germline. Observed: 2 variant alleles.
Comment: Variant classified as Uncertain Significance - Favor Benign. The p.Val1077Ala va riant in RYR2 has been identified in 0.2% (23/9702) of African chromosomes by th e Exome Aggregation Consortium (ExAC; dbSNP rs20 2176504). Computational prediction tools and conservation analysis suggest that the p.Val1077Ala variant may not impact the protein, though this information is not predictive enough to rule out pathogenicity. In summary, while the clinical significance of the p.Val1077Ala variant is uncertain, these data suggest that i t is more likely to be benign.

Literature cited by the submitters: PubMed 28404607 (cited by Women's Health and Genetics/Laboratory Corporation of America, LabCorp and Ambry Genetics).